The following is an entry in ClinVar:

NM_006231.4(POLE):c.3724T>A (p.Ser1242Thr)

Gene: POLE (DNA polymerase epsilon, catalytic subunit; minus strand). Cytogenetic location: 12q24.33.
Variant type: single nucleotide variant.
Coding change: c.3724T>A on transcript NM_006231.4 (MANE Select); coding-DNA position 3724, T replaced by A.
Protein change: p.Ser1242Thr; replaces serine 1242 with threonine.
Molecular consequence: missense variant.
Genome position (GRCh38, 1-based): chr12:132,649,748, A>T on the plus strand (T>A on the coding strand, the complement: POLE is on the minus strand). VCF-style: chr12-132649748-A-T. GRCh37 (hg19) VCF-style: chr12-133226334-A-T.
Other names: short protein forms S1242T.
Identifiers: ClinVar variation 1041079 (VCV001041079.12), dbSNP rs2042378606, ClinGen allele CA387386331.

ClinVar aggregate classification (germline): Conflicting classifications of pathogenicity. Review status: criteria provided, conflicting classifications (1 of 4 stars). 3 submissions from 3 submitters: Uncertain significance (2); Likely benign (1). Last evaluated 2025-05-23.

Conditions:
Hereditary cancer-predisposing syndrome. Also called: Hereditary Cancer Syndrome; Tumor predisposition; Hereditary neoplastic syndrome; Neoplastic Syndromes, Hereditary. Identifiers: Orphanet 140162, MedGen C0027672, MeSH D009386, MONDO:0015356.

Submissions (3):

Ambry Genetics
Classification: Likely benign for Hereditary cancer-predisposing syndrome. Last evaluated: 2025-05-23. Review status: criteria provided, single submitter. Criteria: Ambry Variant Classification Scheme 2023. Collection method: clinical testing. Allele origin: germline.

Labcorp Genetics (formerly Invitae), Labcorp
Classification: Uncertain significance. Last evaluated: 2024-07-26. Review status: criteria provided, single submitter. Criteria: Invitae Variant Classification Sherloc (09022015). Collection method: clinical testing. Allele origin: germline.
Comment: This sequence change replaces serine, which is neutral and polar, with threonine, which is neutral and polar, at codon 1242 of the POLE protein (p.Ser1242Thr). This variant is not present in population databases (gnomAD no frequency). This variant has not been reported in the literature in individuals affected with POLE-related conditions. ClinVar contains an entry for this variant (Variation ID: 1041079). Advanced modeling of protein sequence and biophysical properties (such as structural, functional, and spatial information, amino acid conservation, physicochemical variation, residue mobility, and thermodynamic stability) performed at Invitae indicates that this missense variant is not expected to disrupt POLE protein function with a negative predictive value of 80%. In summary, the available evidence is currently insufficient to determine the role of this variant in disease. Therefore, it has been classified as a Variant of Uncertain Significance.

GeneDx
Classification: Uncertain significance. Last evaluated: 2023-05-15. Review status: criteria provided, single submitter. Criteria: GeneDx Variant Classification Process June 2021. Collection method: clinical testing. Allele origin: germline. Affected: yes.
Comment: Not observed at significant frequency in large population cohorts (gnomAD); In silico analysis supports that this missense variant does not alter protein structure/function; Has not been previously published as pathogenic or benign to our knowledge